The following is an entry in ClinVar:

NM_000093.5(COL5A1):c.-4C>G

Gene: COL5A1 (collagen type V alpha 1 chain; plus strand). Cytogenetic location: 9q34.3.
Variant type: single nucleotide variant.
Coding change: c.-4C>G on transcript NM_000093.5 (MANE Select); 4 bases upstream of the start codon, C replaced by G.
Molecular consequence: 5 prime UTR variant.
Genome position (GRCh38, 1-based): chr9:134,642,184, C>G. VCF-style: chr9-134642184-C-G. GRCh37 (hg19) VCF-style: chr9-137534030-C-G.
Other names: c.-4C>G (NM_001278074.1).
Identifiers: ClinVar variation 506690 (VCV000506690.13), dbSNP rs769694875, ClinGen allele CA5318177.

ClinVar aggregate classification (germline): Benign/Likely benign. Review status: criteria provided, multiple submitters, no conflicts (2 of 4 stars). 6 submissions from 5 submitters: Benign (4); Likely benign (2). Last evaluated 2025-12-18.

Conditions:
Fibromuscular dysplasia, multifocal. Identifiers: MedGen C5543412, MONDO:0859151, OMIM 619329.
Ehlers-Danlos syndrome, classic type (cEDS). Identifiers: Orphanet 287, MedGen C4225429, MONDO:0007522.
Familial thoracic aortic aneurysm and aortic dissection (TAAD). Also called: Thoracic aortic aneurysms and dissections. Identifiers: Orphanet 91387, MedGen C4707243, MONDO:0019625.
Ehlers-Danlos syndrome, classic type, 1 (EDSCL1). Also called: EHLERS-DANLOS SYNDROME, GRAVIS TYPE; EHLERS-DANLOS SYNDROME, SEVERE CLASSIC TYPE; EDS I; Ehlers-Danlos Syndrome, Classic Type, COL5A1-Related; Ehlers-Danlos syndrome, type 1. Identifiers: MedGen C0268335, MONDO:0019567, OMIM 130000.

Allele frequency attached by ClinVar (database versions not stated): 1000 Genomes Project 30x 0.00047; gnomAD 0.00007 and 0.00010; TOPMed 0.00011; ExAC 0.00190; gnomAD exomes 0.00010.
gnomAD v4.1: 127 of 1,264,464 alleles (0.01%); highest among the groups gnomAD compares: East Asian, 0.26%; 2 homozygotes.

Submissions (6):

Women's Health and Genetics/Laboratory Corporation of America, LabCorp
Classification: Benign. Last evaluated: 2025-12-18. Review status: criteria provided, single submitter. Criteria: LabCorp Variant Classification Summary - May 2015. Collection method: clinical testing. Allele origin: germline.
Comment: Variant summary: COL5A1 c.-4C>G is located in the untranslated mRNA region upstream of the initiation codon. Consensus agreement among computation tools predicts no significant impact on normal splicing. However, these predictions have yet to be confirmed by functional studies. The variant allele was found at a frequency of 0.0001 in 1260256 control chromosomes, predominantly at a frequency of 0.0026 within the East Asian subpopulation in the gnomAD database (v4.1 dataset), including 2 homozygotes. The observed variant frequency within East Asian control individuals in the gnomAD database exceeds the estimated maximal expected allele frequency for disease-causing variants in COL5A1. To our knowledge, no occurrence of c.-4C>G in individuals affected with COL5A1-related conditions and no experimental evidence demonstrating its impact on protein function have been reported. ClinVar contains an entry for this variant (Variation ID: 506690). Based on the evidence outlined above, the variant was classified as benign.

Ambry Genetics
Classification: Likely benign for Familial thoracic aortic aneurysm and aortic dissection. Last evaluated: 2023-05-30. Review status: criteria provided, single submitter. Criteria: Ambry Variant Classification Scheme 2023. Collection method: clinical testing. Allele origin: germline.

Genome-Nilou Lab
Classification: Benign for Ehlers-Danlos syndrome, classic type, 1. Last evaluated: 2022-03-15. Review status: criteria provided, single submitter. Criteria: ACMG Guidelines, 2015. Collection method: clinical testing. Allele origin: germline. Affected: no.

Genome-Nilou Lab
Classification: Benign for Fibromuscular dysplasia, multifocal. Last evaluated: 2022-03-15. Review status: criteria provided, single submitter. Criteria: ACMG Guidelines, 2015. Collection method: clinical testing. Allele origin: germline. Affected: no.

GeneDx
Classification: Likely benign. Last evaluated: 2020-09-23. Review status: criteria provided, single submitter. Criteria: GeneDx Variant Classification Process June 2021. Collection method: clinical testing. Allele origin: germline. Affected: yes.

Illumina Laboratory Services, Illumina
Classification: Benign for Ehlers-Danlos syndrome, classic type, 1. Last evaluated: 2018-01-13. Review status: criteria provided, single submitter. Criteria: ICSL Variant Classification Criteria 13 December 2019. Collection method: clinical testing. Allele origin: germline.
Comment: This variant was observed in the ICSL laboratory as part of a predisposition screen in an ostensibly healthy population. It had not been previously curated by ICSL or reported in the Human Gene Mutation Database (HGMD: prior to June 1st, 2018), and was therefore a candidate for classification through an automated scoring system. Utilizing variant allele frequency, disease prevalence and penetrance estimates, and inheritance mode, an automated score was calculated to assess if this variant is too frequent to cause the disease. Based on the score and internal cut-off values, a variant classified as benign is not then subjected to further curation. The score for this variant resulted in a classification of benign for this disease.